The following is an entry in ClinVar:

NM_203468.3(ENTPD2):c.1284+5G>A

Gene: ENTPD2 (ectonucleoside triphosphate diphosphohydrolase 2; minus strand). Cytogenetic location: 9q34.3.
Variant type: single nucleotide variant.
Coding change: c.1284+5G>A on transcript NM_203468.3 (MANE Select); 5 bases into the intron after coding-DNA position 1284, G replaced by A.
Molecular consequence: intron variant.
Genome position (GRCh38, 1-based): chr9:137,048,936, C>T on the plus strand (G>A on the coding strand, the complement: ENTPD2 is on the minus strand). VCF-style: chr9-137048936-C-T. GRCh37 (hg19) VCF-style: chr9-139943388-C-T.
Other names: NC_000009.11:g.139943388C>T; c.1215+5G>A (NM_001246.4).
Identifiers: ClinVar variation 2659795 (VCV002659795.25), dbSNP rs373169384, ClinGen allele CA5357104.

ClinVar aggregate classification (germline): Likely benign (1 of 4 stars; one submission).

Allele frequency attached by ClinVar (database versions not stated): 1000 Genomes Project 30x 0.00031; ExAC 0.00280; ESP Exome Variant Server 0.00318; TOPMed 0.00446; gnomAD 0.00469; gnomAD exomes 0.00718.
gnomAD v4.1: 10,411 of 1,522,602 alleles (0.68%); highest among the groups gnomAD compares: Non-Finnish European, 0.86%; 43 homozygotes.

Submissions (5):

CeGaT Center for Human Genetics Tuebingen
Classification: Likely benign. Last evaluated: 2022-11-01. Review status: criteria provided, single submitter. Criteria: CeGaT Center For Human Genetics Tuebingen Variant Classification Criteria Version 2. Collection method: clinical testing. Allele origin: germline. Affected: yes. Observed: 1 variant allele.
Comment: ENTPD2: BP4, BS2

Dr. Peter K. Rogan Lab, Western University
No classification provided (evidence only). Condition: Lung cancer. Review status: no classification provided. Collection method: in vitro. Allele origin: not applicable. Functional consequence: skipped exon. Not counted in ClinVar's aggregate classification.

Dr. Peter K. Rogan Lab, Western University
No classification provided (evidence only). Condition: Colon adenocarcinoma. Review status: no classification provided. Collection method: in vitro. Allele origin: not applicable. Functional consequence: retained intron. Not counted in ClinVar's aggregate classification.

Dr. Peter K. Rogan Lab, Western University
No classification provided (evidence only). Condition: Colon adenocarcinoma. Review status: no classification provided. Collection method: in vitro. Allele origin: not applicable. Functional consequence: retained intron. Not counted in ClinVar's aggregate classification.

Dr. Peter K. Rogan Lab, Western University
No classification provided (evidence only). Condition: Colon adenocarcinoma. Review status: no classification provided. Collection method: in vitro. Allele origin: not applicable. Functional consequence: skipped exon. Not counted in ClinVar's aggregate classification.